The following is an entry in ClinVar:

NM_000642.3(AGL):c.1139A>G (p.Glu380Gly)

Gene: AGL (amylo-alpha-1,6-glucosidase and 4-alpha-glucanotransferase; plus strand). Cytogenetic location: 1p21.2.
Variant type: single nucleotide variant.
Coding change: c.1139A>G on transcript NM_000642.3 (MANE Select); coding-DNA position 1139, A replaced by G.
Protein change: p.Glu380Gly; replaces glutamic acid 380 with glycine.
Molecular consequence: missense variant.
Genome position (GRCh38, 1-based): chr1:99,875,210, A>G. VCF-style: chr1-99875210-A-G. GRCh37 (hg19) VCF-style: chr1-100340766-A-G.
Other names: c.1139A>G, p.Glu380Gly (NM_000028.3, NM_000643.3, NM_000644.3 and 2 more transcripts); c.1091A>G, p.Glu364Gly (NM_000646.3); c.935A>G, p.Glu312Gly (NM_001425328.1, NM_001425329.1); c.761A>G, p.Glu254Gly (NM_001425332.1); short protein forms E364G, E380G, E254G, E312G.
Identifiers: ClinVar variation 1025728 (VCV001025728.11), dbSNP rs1045745115, ClinGen allele CA27574027.

ClinVar aggregate classification (germline): Uncertain significance. Review status: criteria provided, multiple submitters, no conflicts (2 of 4 stars). 4 submissions from 4 submitters: Uncertain significance (3). 1 of the submissions does not count toward it. Last evaluated 2023-04-11.

Conditions:
Glycogen storage disease type III (GSD3). Also called: Cori disease; FORBES DISEASE. Identifiers: Orphanet 366, MedGen C0017922, MONDO:0009291, OMIM 232400.

Allele frequency attached by ClinVar (database versions not stated): gnomAD exomes 0.00001; TOPMed 0.00002.
gnomAD v4.1: 8 of 1,614,166 alleles (0.0005%); highest among the groups gnomAD compares: Non-Finnish European, 0.00068%; no homozygotes.

Submissions (4):

Genome-Nilou Lab
Classification: Uncertain significance for Glycogen storage disease type III. Last evaluated: 2023-04-11. Review status: criteria provided, single submitter. Criteria: ACMG Guidelines, 2015. Collection method: clinical testing. Allele origin: germline. Affected: no.

Labcorp Genetics (formerly Invitae), Labcorp
Classification: Uncertain significance for Glycogen storage disease type III. Last evaluated: 2021-08-28. Review status: criteria provided, single submitter. Criteria: Invitae Variant Classification Sherloc (09022015). Collection method: clinical testing. Allele origin: germline.
Comment: This sequence change replaces glutamic acid with glycine at codon 380 of the AGL protein (p.Glu380Gly). The glutamic acid residue is moderately conserved and there is a moderate physicochemical difference between glutamic acid and glycine. This variant is not present in population databases (ExAC no frequency). This variant has not been reported in the literature in individuals affected with AGL-related conditions. Algorithms developed to predict the effect of missense changes on protein structure and function (SIFT, PolyPhen-2, Align-GVGD) all suggest that this variant is likely to be tolerated. In summary, the available evidence is currently insufficient to determine the role of this variant in disease. Therefore, it has been classified as a Variant of Uncertain Significance.

Fulgent Genetics
Classification: Uncertain significance for Glycogen storage disease type III. Last evaluated: 2021-07-05. Review status: criteria provided, single submitter. Criteria: ACMG Guidelines, 2015. Collection method: clinical testing. Allele origin: unknown.

Natera, Inc.
Classification: Uncertain significance for Glycogen storage disease type III. Last evaluated: 2021-07-14. Review status: no assertion criteria provided. Collection method: clinical testing. Allele origin: germline. Not counted in ClinVar's aggregate classification.